The following is an entry in ClinVar:

ClinVar aggregate classification (germline): Uncertain significance (1 of 4 stars; one submission).

Conditions:
Werner syndrome (WRN). Identifiers: Orphanet 902, MedGen C0043119, MONDO:0010196, OMIM 277700.

Allele frequency attached by ClinVar (database versions not stated): gnomAD exomes below 0.00001; TOPMed below 0.00001.
gnomAD v4.1: 1 of 1,597,542 alleles (0.000063%); highest among the groups gnomAD compares: Non-Finnish European, 0.000085%; no homozygotes.

Submission:

Labcorp Genetics (formerly Invitae), Labcorp
Classification: Uncertain significance for Werner syndrome. Last evaluated: 2023-08-02. Review status: criteria provided, single submitter. Criteria: Invitae Variant Classification Sherloc (09022015). Collection method: clinical testing. Allele origin: germline.
Comment: This sequence change replaces threonine, which is neutral and polar, with alanine, which is neutral and non-polar, at codon 1081 of the WRN protein (p.Thr1081Ala). This variant is not present in population databases (gnomAD no frequency). This variant has not been reported in the literature in individuals affected with WRN-related conditions. ClinVar contains an entry for this variant (Variation ID: 573080). Algorithms developed to predict the effect of missense changes on protein structure and function output the following: SIFT: "Not Available"; PolyPhen-2: "Benign"; Align-GVGD: "Not Available". The alanine amino acid residue is found in multiple mammalian species, which suggests that this missense change does not adversely affect protein function. In summary, the available evidence is currently insufficient to determine the role of this variant in disease. Therefore, it has been classified as a Variant of Uncertain Significance.

NM_000553.6(WRN):c.3241A>G (p.Thr1081Ala)

Gene: WRN (WRN RecQ like helicase; plus strand). Cytogenetic location: 8p12.
Variant type: single nucleotide variant.
Coding change: c.3241A>G on transcript NM_000553.6 (MANE Select); coding-DNA position 3241, A replaced by G.
Protein change: p.Thr1081Ala; replaces threonine 1081 with alanine.
Molecular consequence: missense variant.
Genome position (GRCh38, 1-based): chr8:31,142,633, A>G. VCF-style: chr8-31142633-A-G. GRCh37 (hg19) VCF-style: chr8-31000149-A-G.
Other names: short protein forms T1081A.
Identifiers: ClinVar variation 573080 (VCV000573080.5), dbSNP rs1563377311, ClinGen allele CA370923297.